The following is an entry in ClinVar:

ClinVar aggregate classification (germline): Benign/Likely benign. Review status: criteria provided, multiple submitters, no conflicts (2 of 4 stars). 17 submissions from 14 submitters: Benign (8); Likely benign (8). 1 of the submissions does not count toward it. Last evaluated 2026-02-03.

Conditions:
TTN-related disorder. Also called: TTN-related condition; TTN-related disease; TTN-related disorders.
Dilated cardiomyopathy 1G (CMD1G). Identifiers: Orphanet 154, MedGen C1858763, MONDO:0011400, OMIM 604145.
Autosomal recessive limb-girdle muscular dystrophy type 2J (LGMDR10). Also called: MUSCULAR DYSTROPHY, LIMB-GIRDLE, AUTOSOMAL RECESSIVE 10; Limb-girdle muscular dystrophy, type 2J. Identifiers: Orphanet 140922, MedGen C1837342, MONDO:0012127, OMIM 608807.
Cardiovascular phenotype. Identifiers: MedGen CN230736.
Myopathy, myofibrillar, 9, with early respiratory failure (MFM9). Also called: Myopathy, distal, with early respiratory failure, autosomal dominant; MYOPATHY, PROXIMAL, WITH EARLY RESPIRATORY MUSCLE INVOLVEMENT; Hereditary myopathy with early respiratory failure; EDSTROM MYOPATHY. Identifiers: Orphanet 178464, Orphanet 34521, MedGen C1863599, MONDO:0011362, OMIM 603689.
Early-onset myopathy with fatal cardiomyopathy (CMYO5). Also called: Salih Myopathy; CONGENITAL MYOPATHY 5 WITH CARDIOMYOPATHY. Identifiers: Orphanet 289377, MedGen C2673677, MONDO:0012714, OMIM 611705. Disease mechanism: loss of function.
Tibial muscular dystrophy (TMD). Also called: Tibial muscular dystrophy, tardive; UDD MYOPATHY; Udd Distal Myopathy – Tibial Muscular Dystrophy. Identifiers: Orphanet 609, MedGen C1838244, MONDO:0010870, OMIM 600334.

Allele frequency attached by ClinVar (database versions not stated): gnomAD exomes 0.00007 and 0.00018; ExAC 0.00027; gnomAD 0.00068 and 0.00074; TOPMed 0.00080; ESP Exome Variant Server 0.00093; 1000 Genomes Project 30x 0.00109; 1000 Genomes Project 0.00120.
gnomAD v4.1: 209 of 1,613,020 alleles (0.013%); highest among the groups gnomAD compares: African/African-American, 0.24%; no homozygotes.

Submissions (17):

Labcorp Genetics (formerly Invitae), Labcorp
Classification: Benign for Dilated cardiomyopathy 1G; Autosomal recessive limb-girdle muscular dystrophy type 2J. Last evaluated: 2026-02-03. Review status: criteria provided, single submitter. Criteria: Invitae Variant Classification Sherloc (09022015). Collection method: clinical testing. Allele origin: germline.

CeGaT Center for Human Genetics Tuebingen
Classification: Likely benign. Last evaluated: 2025-09-01. Review status: criteria provided, single submitter. Criteria: CeGaT Center For Human Genetics Tuebingen Variant Classification Criteria Version 2. Collection method: clinical testing. Allele origin: germline. Affected: yes. Observed: 1 variant allele.
Comment: TTN: BP4, BP7

Molecular Diagnostic Laboratory for Inherited Cardiovascular Disease, Montreal Heart Institute
Classification: Benign. Last evaluated: 2025-04-09. Review status: criteria provided, single submitter. Criteria: ACMG Guidelines, 2015. Collection method: clinical testing. Allele origin: germline. Affected: no.

Women's Health and Genetics/Laboratory Corporation of America, LabCorp
Classification: Likely benign. Last evaluated: 2023-08-19. Review status: criteria provided, single submitter. Criteria: LabCorp Variant Classification Summary - May 2015. Collection method: clinical testing. Allele origin: germline.

Genome-Nilou Lab
Classification: Benign for Autosomal recessive limb-girdle muscular dystrophy type 2J. Last evaluated: 2021-09-10. Review status: criteria provided, single submitter. Criteria: ACMG Guidelines, 2015. Collection method: clinical testing. Allele origin: germline. Affected: no.

Genome-Nilou Lab
Classification: Benign for Myopathy, myofibrillar, 9, with early respiratory failure. Last evaluated: 2021-09-10. Review status: criteria provided, single submitter. Criteria: ACMG Guidelines, 2015. Collection method: clinical testing. Allele origin: germline. Affected: no.

Genome-Nilou Lab
Classification: Benign for Early-onset myopathy with fatal cardiomyopathy. Last evaluated: 2021-09-10. Review status: criteria provided, single submitter. Criteria: ACMG Guidelines, 2015. Collection method: clinical testing. Allele origin: germline. Affected: no.

Genome-Nilou Lab
Classification: Benign for Tibial muscular dystrophy. Last evaluated: 2021-09-10. Review status: criteria provided, single submitter. Criteria: ACMG Guidelines, 2015. Collection method: clinical testing. Allele origin: germline. Affected: no.

ARUP Laboratories, Molecular Genetics and Genomics, ARUP Laboratories
Classification: Likely benign. Last evaluated: 2021-01-20. Review status: criteria provided, single submitter. Criteria: ARUP Molecular Germline Variant Investigation Process 2021. Collection method: clinical testing. Allele origin: germline.

GeneDx
Classification: Likely benign. Last evaluated: 2020-07-31. Review status: criteria provided, single submitter. Criteria: GeneDx Variant Classification Process June 2021. Collection method: clinical testing. Allele origin: germline. Affected: yes.

Ambry Genetics
Classification: Likely benign for Cardiovascular phenotype. Last evaluated: 2019-01-14. Review status: criteria provided, single submitter. Criteria: Ambry Variant Classification Scheme 2023. Collection method: clinical testing. Allele origin: germline.

Athena Diagnostics
Classification: Benign. Last evaluated: 2018-11-14. Review status: criteria provided, single submitter. Criteria: Athena Diagnostics Criteria. Collection method: clinical testing. Allele origin: germline.

Eurofins Ntd Llc (ga)
Classification: Likely benign. Last evaluated: 2017-06-06. Review status: criteria provided, single submitter. Criteria: EGL Classification Definitions 2015. Collection method: clinical testing. Allele origin: germline. Observed: 1 variant allele, 1 heterozygote.

Laboratory for Molecular Medicine, Mass General Brigham Personalized Medicine
Classification: Likely benign. Last evaluated: 2015-04-07. Review status: criteria provided, single submitter. Criteria: LMM Criteria. Collection method: clinical testing. Allele origin: germline. Observed: 1 variant allele.
Comment: p.Gln16075Gln in exon 237 of TTN: This variant is not expected to have clinical significance because it does not alter an amino acid residue and is not located within the splice consensus sequence. It has been identified in 0.3% (29/9770) o f African chromosomes by the Exome Aggregation Consortium (ExAC; dbSNP rs151335428).

Genetic Services Laboratory, University of Chicago
Classification: Benign for AllHighlyPenetrant. Last evaluated: 2013-12-04. Review status: criteria provided, single submitter. Criteria: ACMG Guidelines, 2007. Collection method: clinical testing. Allele origin: germline.

Breakthrough Genomics
Classification: Likely benign. Review status: criteria provided, single submitter. Criteria: ACMG Guidelines, 2015. Collection method: not provided. Allele origin: germline. Inheritance: Autosomal recessive inheritance. Affected: yes.

PreventionGenetics, part of Exact Sciences
Classification: Likely benign for TTN-related condition. Last evaluated: 2019-08-21. Review status: no assertion criteria provided. Collection method: clinical testing. Allele origin: germline. Not counted in ClinVar's aggregate classification.
Comment: This variant is classified as likely benign based on ACMG/AMP sequence variant interpretation guidelines (Richards et al. 2015 PMID: 25741868, with internal and published modifications).

NM_001267550.2(TTN):c.55929A>G (p.Gln18643=)

Genes: TTN (titin; minus strand), TTN-AS1 (TTN antisense RNA 1; plus strand). Cytogenetic location: 2q31.2.
Variant type: single nucleotide variant.
Coding change: c.55929A>G on transcript NM_001267550.2 (MANE Select); coding-DNA position 55929, A replaced by G.
Protein change: p.Gln18643=; no amino-acid change (glutamine 18643 retained).
Molecular consequence: synonymous variant.
Genome position (GRCh38, 1-based): chr2:178,600,975, T>C on the plus strand (A>G on the coding strand, the complement: TTN is on the minus strand). VCF-style: chr2-178600975-T-C. GRCh37 (hg19) VCF-style: chr2-179465702-T-C.
Other names: c.51006A>G, p.Gln17002= (NM_001256850.1); c.48225A>G, p.Gln16075= (NM_133378.4); c.28734A>G, p.Gln9578= (NM_003319.4); c.29109A>G, p.Gln9703= (NM_133432.3); c.29310A>G, p.Gln9770= (NM_133437.4).
Identifiers: ClinVar variation 130671 (VCV000130671.47), dbSNP rs151335428, ClinGen allele CA155874.